The following is an entry in ClinVar:

NM_001330677.2(TBX15):c.1588G>A (p.Ala530Thr)

Gene: TBX15 (T-box transcription factor 15; minus strand). Cytogenetic location: 1p12.
Variant type: single nucleotide variant.
Coding change: c.1588G>A on transcript NM_001330677.2 (MANE Select); coding-DNA position 1588, G replaced by A.
Protein change: p.Ala530Thr; replaces alanine 530 with threonine.
Molecular consequence: missense variant.
Genome position (GRCh38, 1-based): chr1:118,884,953, C>T on the plus strand (G>A on the coding strand, the complement: TBX15 is on the minus strand). VCF-style: chr1-118884953-C-T. GRCh37 (hg19) VCF-style: chr1-119427576-C-T.
Other names: c.1270G>A, p.Ala424Thr (NM_152380.3); short protein forms A424T, A530T.
Identifiers: ClinVar variation 2068808 (VCV002068808.1), dbSNP rs754508160, ClinGen allele CA1034816.

ClinVar aggregate classification (germline): Uncertain significance (1 of 4 stars; one submission).

Allele frequency attached by ClinVar (database versions not stated): ExAC 0.00003; gnomAD exomes 0.00004; gnomAD 0.00006; TOPMed 0.00010.

Submission:

Labcorp Genetics (formerly Invitae), Labcorp
Classification: Uncertain significance. Last evaluated: 2022-06-14. Review status: criteria provided, single submitter. Criteria: Invitae Variant Classification Sherloc (09022015). Collection method: clinical testing. Allele origin: germline.
Comment: This sequence change replaces alanine, which is neutral and non-polar, with threonine, which is neutral and polar, at codon 424 of the TBX15 protein (p.Ala424Thr). This variant is present in population databases (rs754508160, gnomAD 0.02%). This variant has not been reported in the literature in individuals affected with TBX15-related conditions. Algorithms developed to predict the effect of missense changes on protein structure and function are either unavailable or do not agree on the potential impact of this missense change (SIFT: "Deleterious"; PolyPhen-2: "Benign"; Align-GVGD: "Class C0"). In summary, the available evidence is currently insufficient to determine the role of this variant in disease. Therefore, it has been classified as a Variant of Uncertain Significance.